The following is an entry in ClinVar:

NM_017780.4(CHD7):c.5906_5908del (p.Arg1969_Glu1970delinsLys)

Gene: CHD7 (chromodomain helicase DNA binding protein 7; plus strand). Cytogenetic location: 8q12.2.
Variant type: Deletion.
Coding change: c.5906_5908del on transcript NM_017780.4 (MANE Select); coding-DNA positions 5906 to 5908, 3 bases deleted (GAG; older notation c.5906_5908delGAG).
Protein change: p.Arg1969_Glu1970delinsLys.
Molecular consequence: inframe indel. On other transcripts: intron variant (1).
Genome position (GRCh38, 1-based): chr8:60,852,509-60,852,511, GAG deleted. VCF-style (leftmost placement, unchanged base first): chr8-60852508-AGAG-A. GRCh37 (hg19) VCF-style: chr8-61765067-AGAG-A.
Other names: c.1717-9720_1717-9718del (NM_001316690.1).
Identifiers: ClinVar variation 3663914 (VCV003663914.2).
Genomic context (GRCh38, chr8:60,852,508, plus strand): 5'-TTAAGTCTTTTCCTGAAGTATGATGCAAGCTAATATAATCTTTCTAACAGGTGGACAAGA[AGAG>A]AAGAGGCTGATTTTTACCGTGTGGTATCCACCTTTGGGGTTATTTTTGACCCTGTGAAAC-3'

ClinVar aggregate classification (germline): Uncertain significance (1 of 4 stars; one submission).

Conditions:
CHARGE syndrome (CHARGE). Also called: Hittner Hirsch Kreh syndrome; CHARGE ASSOCIATION--COLOBOMA, HEART ANOMALY, CHOANAL ATRESIA, RETARDATION, GENITAL AND EAR ANOMALIES; Coloboma, heart anomaly, choanal atresia, retardation, genital and ear anomalies; CHARGE association; Hall-Hittner syndrome. Identifiers: Orphanet 138, MedGen C0265354, MONDO:0008965.

Submission:

Labcorp Genetics (formerly Invitae), Labcorp
Classification: Uncertain significance for CHARGE syndrome. Last evaluated: 2024-08-29. Review status: criteria provided, single submitter. Criteria: Invitae Variant Classification Sherloc (09022015). Collection method: clinical testing. Allele origin: germline.
Comment: This variant, c.5906_5908del, is a complex sequence change that results in the deletion of 2 and insertion of 1 amino acid(s) in the CHD7 protein (p.Arg1969_Glu1970delinsLys). This variant is not present in population databases (gnomAD no frequency). This variant has not been reported in the literature in individuals affected with CHD7-related conditions. Experimental studies and prediction algorithms are not available or were not evaluated, and the functional significance of this variant is currently unknown. In summary, the available evidence is currently insufficient to determine the role of this variant in disease. Therefore, it has been classified as a Variant of Uncertain Significance.